The following is an entry in ClinVar:

ClinVar aggregate classification (germline): Pathogenic (1 of 4 stars; one submission).

Submission:

Labcorp Genetics (formerly Invitae), Labcorp
Classification: Pathogenic. Last evaluated: 2024-04-03. Review status: criteria provided, single submitter. Criteria: Invitae Variant Classification Sherloc (09022015). Collection method: clinical testing. Allele origin: germline.
Comment: This sequence change creates a premature translational stop signal (p.Pro172Alafs*28) in the POLE gene. It is expected to result in an absent or disrupted protein product. Loss-of-function variants in POLE are known to be pathogenic (PMID: 23230001, 25948378, 30503519). This variant is not present in population databases (gnomAD no frequency). This variant has not been reported in the literature in individuals affected with POLE-related conditions. For these reasons, this variant has been classified as Pathogenic.

Literature cited by the submitters: PubMed 23230001; PubMed 25948378; PubMed 30503519.

NM_006231.4(POLE):c.513_549del (p.Pro172fs)

Gene: POLE (DNA polymerase epsilon, catalytic subunit; minus strand). Cytogenetic location: 12q24.33.
Variant type: Deletion.
Coding change: c.513_549del on transcript NM_006231.4 (MANE Select); coding-DNA positions 513 to 549, 37 bases deleted.
Protein change: p.Pro172fs; shifts the reading frame from proline 172.
Molecular consequence: frameshift variant.
Genome position (GRCh38, 1-based): chr12:132,679,526-132,679,562, 37 bases deleted; deleting any 37 consecutive bases within chr12:132,679,526-132,679,563 gives the same sequence; the c. name uses the placement nearest the transcript's 3' end. GRCh37 (hg19): chr12:133,256,113-133,256,149.
Other names: short protein forms P172fs.
Identifiers: ClinVar variation 3648598 (VCV003648598.2).
Genomic context (GRCh38, chr12:132,679,525, plus strand): 5'-GCTGATGCTTTGCTCACAAGACCAAAGTTTACCTGGAAAGCAGAGCTGTGTACGCGTCGC[TGGCGTGATCCTGCTCCCTGTTCTTCTTCACGGCAGGG>T]GAGATCTCCTTCCTCACTTTGACAAGATCCTCCACAGTGTGGAAGGACAGCCTGATGTAA-3'